The following is an entry in ClinVar:

ClinVar aggregate classification (germline): Uncertain significance. Review status: criteria provided, multiple submitters, no conflicts (2 of 4 stars). 2 submissions from 2 submitters: Uncertain significance (2). Last evaluated 2022-01-26.

Conditions:
Inborn genetic diseases. Identifiers: MedGen C0950123, MeSH D030342.

Allele frequency attached by ClinVar (database versions not stated): gnomAD 0.00003 and 0.00004; TOPMed 0.00004; gnomAD exomes 0.00005; ExAC 0.00008; 1000 Genomes Project 30x 0.00016; 1000 Genomes Project 0.00020.

Submissions (2):

Ambry Genetics
Classification: Uncertain significance for Inborn genetic diseases. Last evaluated: 2022-01-26. Review status: criteria provided, single submitter. Criteria: Ambry Variant Classification Scheme 2023. Collection method: clinical testing. Allele origin: germline.

Labcorp Genetics (formerly Invitae), Labcorp
Classification: Uncertain significance. Last evaluated: 2021-09-01. Review status: criteria provided, single submitter. Criteria: Invitae Variant Classification Sherloc (09022015). Collection method: clinical testing. Allele origin: germline.
Comment: This sequence change replaces valine with methionine at codon 408 of the CDC45 protein (p.Val408Met). The valine residue is moderately conserved and there is a small physicochemical difference between valine and methionine. This variant is present in population databases (rs13447263, ExAC 0.02%), including at least one homozygous and/or hemizygous individual. This variant has not been reported in the literature in individuals affected with CDC45-related conditions. Algorithms developed to predict the effect of missense changes on protein structure and function are either unavailable or do not agree on the potential impact of this missense change (SIFT: "Deleterious"; PolyPhen-2: "Possibly Damaging"; Align-GVGD: "Class C0"). In summary, the available evidence is currently insufficient to determine the role of this variant in disease. Therefore, it has been classified as a Variant of Uncertain Significance.

NM_003504.5(CDC45):c.1126G>A (p.Val376Met)

Gene: CDC45 (cell division cycle 45; plus strand). Cytogenetic location: 22q11.21.
Variant type: single nucleotide variant.
Coding change: c.1126G>A on transcript NM_003504.5 (MANE Select); coding-DNA position 1126, G replaced by A.
Protein change: p.Val376Met; replaces valine 376 with methionine.
Molecular consequence: missense variant. On other transcripts: non-coding transcript variant (1).
Genome position (GRCh38, 1-based): chr22:19,508,600, G>A. VCF-style: chr22-19508600-G-A. GRCh37 (hg19) VCF-style: chr22-19496123-G-A.
Other names: c.1222G>A, p.Val408Met (NM_001178010.2); c.988G>A, p.Val330Met (NM_001178011.2); c.1090G>A, p.Val364Met (NM_001369291.1); c.1222G>A (NM_001178010.1); short protein forms V330M, V364M, V408M, V376M.
Identifiers: ClinVar variation 1372150 (VCV001372150.6), dbSNP rs13447263, ClinGen allele CA10101346.